The following is an entry in ClinVar:

ClinVar aggregate classification (germline): Uncertain significance (1 of 4 stars; one submission).

Allele frequency attached by ClinVar (database versions not stated): gnomAD 0.00001; gnomAD exomes 0.00001; TOPMed below 0.00001.
gnomAD v4.1: 27 of 1,609,082 alleles (0.0017%); highest among the groups gnomAD compares: Non-Finnish European, 0.0017%; no homozygotes.

Submission:

Labcorp Genetics (formerly Invitae), Labcorp
Classification: Uncertain significance. Last evaluated: 2023-12-30. Review status: criteria provided, single submitter. Criteria: Invitae Variant Classification Sherloc (09022015). Collection method: clinical testing. Allele origin: germline.
Comment: This sequence change falls in intron 10 of the PPP3CA gene. It does not directly change the encoded amino acid sequence of the PPP3CA protein. It affects a nucleotide within the consensus splice site. This variant is present in population databases (no rsID available, gnomAD 0.002%). This variant has not been reported in the literature in individuals affected with PPP3CA-related conditions. ClinVar contains an entry for this variant (Variation ID: 1519268). Variants that disrupt the consensus splice site are a relatively common cause of aberrant splicing (PMID: 17576681, 9536098). Algorithms developed to predict the effect of sequence changes on RNA splicing suggest that this variant is not likely to affect RNA splicing. In summary, the available evidence is currently insufficient to determine the role of this variant in disease. Therefore, it has been classified as a Variant of Uncertain Significance.

Literature cited by the submitters: PubMed 17576681; PubMed 9536098.

NM_000944.5(PPP3CA):c.1156+4A>G

Gene: PPP3CA (protein phosphatase 3 catalytic subunit alpha; minus strand). Cytogenetic location: 4q24.
Variant type: single nucleotide variant.
Coding change: c.1156+4A>G on transcript NM_000944.5 (MANE Select); 4 bases into the intron after coding-DNA position 1156, A replaced by G.
Molecular consequence: intron variant.
Genome position (GRCh38, 1-based): chr4:101,061,083, T>C on the plus strand (A>G on the coding strand, the complement: PPP3CA is on the minus strand). VCF-style: chr4-101061083-T-C. GRCh37 (hg19) VCF-style: chr4-101982240-T-C.
Other names: c.1030+4A>G (NM_001130692.2); c.1156+4A>G (NM_001130691.2).
Identifiers: ClinVar variation 1519268 (VCV001519268.6), dbSNP rs927386656, ClinGen allele CA102972693.